The following is an entry in ClinVar:

ClinVar aggregate classification (germline): Likely pathogenic (1 of 4 stars; one submission).

Conditions:
Mowat-Wilson syndrome (MOWS). Also called: Classic Mowat-Wilson Syndrome. Identifiers: Orphanet 2152, MedGen C1856113, MONDO:0009341, OMIM 235730.

Submission:

3billion
Classification: Likely pathogenic for Mowat-Wilson syndrome. Last evaluated: 2024-12-13. Review status: criteria provided, single submitter. Criteria: ACMG Guidelines, 2015. Collection method: clinical testing. Allele origin: germline. Affected: yes.
Comment: The variant is not observed in the gnomAD v4.1.0 dataset. Predicted Consequence/Location: Canonical splice site: predicted to alter splicing and result in a loss or disruption of normal protein function. Multiple pathogenic loss-of-function variants are reported downstream of the variant. In silico tools predict the variant to alter splicing and produce an abnormal transcript [SpliceAI: 1.00 (spliceogenicity >=0.2, non-spliceogenicity <0.1)]. Therefore, this variant is classified as Likely pathogenic according to the recommendation of ACMG/AMP guideline.

NM_014795.4(ZEB2):c.808-1G>C

Gene: ZEB2 (zinc finger E-box binding homeobox 2; minus strand). Cytogenetic location: 2q22.3.
Variant type: single nucleotide variant.
Coding change: c.808-1G>C on transcript NM_014795.4 (MANE Select); the canonical splice acceptor site of the intron before coding-DNA position 808, G replaced by C.
Molecular consequence: splice acceptor variant.
Genome position (GRCh38, 1-based): chr2:144,401,308, C>G on the plus strand (G>C on the coding strand, the complement: ZEB2 is on the minus strand). VCF-style: chr2-144401308-C-G. GRCh37 (hg19) VCF-style: chr2-145158875-C-G.
Other names: c.736-1G>C (NM_001171653.2).
Identifiers: ClinVar variation 4294085 (VCV004294085.1).